The following is an entry in ClinVar:

NM_004336.5(BUB1):c.1473A>T (p.Gln491His)

Gene: BUB1 (BUB1 mitotic checkpoint serine/threonine kinase; minus strand). Cytogenetic location: 2q13.
Variant type: single nucleotide variant.
Coding change: c.1473A>T on transcript NM_004336.5 (MANE Select); coding-DNA position 1473, A replaced by T.
Protein change: p.Gln491His; replaces glutamine 491 with histidine.
Molecular consequence: missense variant.
Genome position (GRCh38, 1-based): chr2:110,658,453, T>A on the plus strand (A>T on the coding strand, the complement: BUB1 is on the minus strand). VCF-style: chr2-110658453-T-A. GRCh37 (hg19) VCF-style: chr2-111416030-T-A.
Other names: c.1413A>T, p.Gln471His (NM_001278616.2); c.1473A>T, p.Gln491His (NM_001278617.2); short protein forms Q471H, Q491H.
Identifiers: ClinVar variation 1773398 (VCV001773398.3), dbSNP rs750703399, ClinGen allele CA1828072.

ClinVar aggregate classification (germline): Uncertain significance (1 of 4 stars; one submission).

Allele frequency attached by ClinVar (database versions not stated): ExAC 0.00001.
gnomAD v4.1: 2 of 1,614,066 alleles (0.00012%); highest among the groups gnomAD compares: Non-Finnish European, 0.00017%; no homozygotes.

Submission:

Ambry Genetics
Classification: Uncertain significance. Last evaluated: 2024-11-02. Review status: criteria provided, single submitter. Criteria: Ambry Variant Classification Scheme 2023. Collection method: clinical testing. Allele origin: germline.
Comment: The p.Q491H variant (also known as c.1473A>T), located in coding exon 13 of the BUB1 gene, results from an A to T substitution at nucleotide position 1473. The glutamine at codon 491 is replaced by histidine, an amino acid with highly similar properties. This amino acid position is conserved. In addition, this alteration is predicted to be tolerated by in silico analysis. Since supporting evidence is limited at this time, the clinical significance of this alteration remains unclear.